The following is an entry in ClinVar:

NM_015909.4(NBAS):c.1438T>C (p.Ser480Pro)

Gene: NBAS (NBAS subunit of NRZ tethering complex; minus strand). Cytogenetic location: 2p24.3.
Variant type: single nucleotide variant.
Coding change: c.1438T>C on transcript NM_015909.4 (MANE Select); coding-DNA position 1438, T replaced by C.
Protein change: p.Ser480Pro; replaces serine 480 with proline.
Molecular consequence: missense variant. On other transcripts: non-coding transcript variant (1).
Genome position (GRCh38, 1-based): chr2:15,474,228, A>G on the plus strand (T>C on the coding strand, the complement: NBAS is on the minus strand). VCF-style: chr2-15474228-A-G. GRCh37 (hg19) VCF-style: chr2-15614352-A-G.
Other names: c.1438T>C (NM_015909.2); short protein forms S480P.
Identifiers: ClinVar variation 1049722 (VCV001049722.8), dbSNP rs140555177, ClinGen allele CA1536681.

ClinVar aggregate classification (germline): Conflicting classifications of pathogenicity. Review status: criteria provided, conflicting classifications (1 of 4 stars). 3 submissions from 3 submitters: Uncertain significance (1); Likely benign (1). 1 of the submissions does not count toward it. Last evaluated 2026-01-19.

Conditions:
Inborn genetic diseases. Identifiers: MedGen C0950123, MeSH D030342.

Allele frequency attached by ClinVar (database versions not stated): TOPMed 0.00008; gnomAD 0.00009 and 0.00011; ExAC 0.00012; gnomAD exomes 0.00015; ESP Exome Variant Server 0.00023.
gnomAD v4.1: 180 of 1,614,128 alleles (0.011%); highest among the groups gnomAD compares: Middle Eastern, 0.21%; 1 homozygote.

Submissions (3):

Labcorp Genetics (formerly Invitae), Labcorp
Classification: Likely benign. Last evaluated: 2026-01-19. Review status: criteria provided, single submitter. Criteria: Invitae Variant Classification Sherloc (09022015). Collection method: clinical testing. Allele origin: germline.

Ambry Genetics
Classification: Uncertain significance for Inborn genetic diseases. Last evaluated: 2023-12-13. Review status: criteria provided, single submitter. Criteria: Ambry Variant Classification Scheme 2023. Collection method: clinical testing. Allele origin: germline.

Department of Pathology and Laboratory Medicine, Sinai Health System
Classification: Uncertain significance. Review status: no assertion criteria provided. Collection method: clinical testing. Allele origin: unknown. Affected: yes. Study: The Canadian Open Genetics Repository (COGR). Not counted in ClinVar's aggregate classification.
Comment: The NBAS p.Ser480Pro variant was not identified in the literature nor was it identified in ClinVar, Cosmic, or LOVD 3.0 databases. The variant was identified in dbSNP (ID: rs140555177) and was also found in control databases in 38 of 251370 chromosomes at a frequency of 0.000151 (Genome Aggregation Database Feb 27, 2017). The variant was observed in the following populations: Other populations in 5 of 6130 chromosomes (freq: 0.000816), Latino in 6 of 34588 chromosomes (freq: 0.000174), European (non-Finnish) in 25 of 113682 chromosomes (freq: 0.00022), East Asian in 1 of 18376 chromosomes (freq: 0.000054), and African in 1 of 16256 chromosomes (freq: 0.000062) while the variant was not observed in the South Asian, European (Finnish), or Ashkenazi Jewish populations. The variant occurs outside of the splicing consensus sequence and 3 of 4 in silico or computational prediction software programs (SpliceSiteFinder, NNSPLICE, GeneSplicer) do not predict a difference in splicing. The p.Ser480 residue is conserved across mammals and other organisms, and computational analyses (PolyPhen-2, SIFT, AlignGVGD, BLOSUM, MutationTaster) suggest that the variant may impact the protein; however, this information is not predictive enough to assume pathogenicity. In summary, based on the above information the clinical significance of this variant cannot be determined with certainty at this time. This variant is classified as a variant of uncertain significance.